The following is an entry in ClinVar:

ClinVar aggregate classification (germline): Benign/Likely benign. Review status: criteria provided, multiple submitters, no conflicts (2 of 4 stars). 3 submissions from 3 submitters: Benign (1); Likely benign (2). Last evaluated 2025-08-24.

Conditions:
Pheochromocytoma/paraganglioma syndrome 5. Also called: Paragangliomas 5; SDHA-Related Hereditary Paraganglioma-Pheochromocytoma Syndrome. Identifiers: Orphanet 29072, MedGen C3279992, MONDO:0013602, OMIM 614165.
Mitochondrial complex II deficiency, nuclear type 1. Also called: SUCCINATE CoQ REDUCTASE DEFICIENCY. Identifiers: Orphanet 3208, MedGen C5700310, MONDO:0100294, OMIM 252011.
Hereditary cancer-predisposing syndrome. Also called: Tumor predisposition; Hereditary neoplastic syndrome; Neoplastic Syndromes, Hereditary; Hereditary Cancer Syndrome. Identifiers: Orphanet 140162, MedGen C0027672, MeSH D009386, MONDO:0015356.

gnomAD v4.1: 5 of 1,613,914 alleles (0.00031%); highest among the groups gnomAD compares: East Asian, 0.0022%; no homozygotes.

Submissions (3):

Labcorp Genetics (formerly Invitae), Labcorp
Classification: Likely benign for Pheochromocytoma/paraganglioma syndrome 5; Mitochondrial complex II deficiency, nuclear type 1. Last evaluated: 2025-08-24. Review status: criteria provided, single submitter. Criteria: Invitae Variant Classification Sherloc (09022015). Collection method: clinical testing. Allele origin: germline.

Myriad Genetics, Inc.
Classification: Benign for Pheochromocytoma/paraganglioma syndrome 5. Last evaluated: 2025-03-10. Review status: criteria provided, single submitter. Criteria: Myriad Autosomal Dominant, Autosomal Recessive and X-Linked Classification Criteria (2023). Collection method: clinical testing. Allele origin: unknown.
Comment: This variant is considered benign. This variant is a silent/synonymous amino acid change and it is not expected to impact splicing.

Ambry Genetics
Classification: Likely benign for Hereditary cancer-predisposing syndrome. Last evaluated: 2018-08-20. Review status: criteria provided, single submitter. Criteria: Ambry Variant Classification Scheme 2023. Collection method: clinical testing. Allele origin: germline.

NM_004168.4(SDHA):c.1305G>A (p.Leu435=)

Gene: SDHA (succinate dehydrogenase complex flavoprotein subunit A; plus strand). Cytogenetic location: 5p15.33.
Variant type: single nucleotide variant.
Coding change: c.1305G>A on transcript NM_004168.4 (MANE Select); coding-DNA position 1305, G replaced by A.
Protein change: p.Leu435=; no amino-acid change (leucine 435 retained).
Molecular consequence: synonymous variant.
Genome position (GRCh38, 1-based): chr5:236,472, G>A. VCF-style: chr5-236472-G-A. GRCh37 (hg19) VCF-style: chr5-236587-G-A.
Other names: c.1161G>A, p.Leu387= (NM_001294332.2); c.1305G>A, p.Leu435= (NM_001330758.2).
Identifiers: ClinVar variation 818860 (VCV000818860.14), dbSNP rs35964044, ClinGen allele CA3173188.
Genomic context (GRCh38, chr5:236,472, plus strand): 5'-ATCTTCCTTTCCACAGGTCCTGAGGCACGTGAATGGCCAGGATCAGATTGTGCCCGGCCT[G>A]TACGCCTGTGGGGAGGCCGCCTGTGCCTCGGTACATGGTGCCAACCGCCTCGGGGCAAAC-3'
Protein context (NP_004159.2, residues 425-445): VNGQDQIVPG[Leu435=]YACGEAACAS